The following is an entry in ClinVar:

ClinVar aggregate classification (germline): Uncertain significance (1 of 4 stars; one submission).

Conditions:
Cardiovascular phenotype. Identifiers: MedGen CN230736.

Allele frequency attached by ClinVar (database versions not stated): gnomAD exomes below 0.00001; TOPMed below 0.00001.
gnomAD v4.1: 2 of 1,550,056 alleles (0.00013%); highest among the groups gnomAD compares: Non-Finnish European, 0.000087%; no homozygotes.

Submission:

Ambry Genetics
Classification: Uncertain significance for Cardiovascular phenotype. Last evaluated: 2021-06-14. Review status: criteria provided, single submitter. Criteria: Ambry Variant Classification Scheme 2023. Collection method: clinical testing. Allele origin: germline.
Comment: The p.S190R variant (also known as c.570C>G), located in coding exon 1 of the ZNF469 gene, results from a C to G substitution at nucleotide position 570. The serine at codon 190 is replaced by arginine, an amino acid with dissimilar properties. This amino acid position is conserved. In addition, this alteration is predicted to be tolerated by in silico analysis. Since supporting evidence is limited at this time, the clinical significance of this alteration remains unclear.

NM_001367624.2(ZNF469):c.570C>G (p.Ser190Arg)

Gene: ZNF469 (zinc finger protein 469; plus strand). Cytogenetic location: 16q24.2.
Variant type: single nucleotide variant.
Coding change: c.570C>G on transcript NM_001367624.2 (MANE Select); coding-DNA position 570, C replaced by G.
Protein change: p.Ser190Arg; replaces serine 190 with arginine.
Molecular consequence: missense variant.
Genome position (GRCh38, 1-based): chr16:88,428,040, C>G. VCF-style: chr16-88428040-C-G. GRCh37 (hg19) VCF-style: chr16-88494448-C-G.
Other names: NM_001127464.1:c.570C>G; short protein forms S190R.
Identifiers: ClinVar variation 1749205 (VCV001749205.2), dbSNP rs1905818406, ClinGen allele CA397060804.